The following is an entry in ClinVar:

ClinVar aggregate classification (germline): Conflicting classifications of pathogenicity. Review status: criteria provided, conflicting classifications (1 of 4 stars). 3 submissions from 3 submitters: Uncertain significance (2); Likely benign (1). Last evaluated 2026-04-24.

Conditions:
CCDC141-related disorder. Also called: CCDC141-related condition.

Allele frequency attached by ClinVar (database versions not stated): ExAC 0.00022; 1000 Genomes Project 30x 0.00047; 1000 Genomes Project 0.00060; gnomAD 0.00067; TOPMed 0.00067.
gnomAD v4.1: 335 of 1,542,970 alleles (0.022%); highest among the groups gnomAD compares: Admixed American, 0.31%; 2 homozygotes.

Submissions (3):

PreventionGenetics, part of Exact Sciences
Classification: Likely benign for CCDC141-related condition. Last evaluated: 2026-04-24. Review status: criteria provided, single submitter. Criteria: ACMG Guidelines, 2015. Collection method: clinical testing. Allele origin: germline.
Comment: This variant is classified as likely benign based on ACMG/AMP sequence variant interpretation guidelines (Richards et al. 2015 PMID: 25741868, with internal and published modifications).

Labcorp Genetics (formerly Invitae), Labcorp
Classification: Uncertain significance. Last evaluated: 2026-01-14. Review status: criteria provided, single submitter. Criteria: Invitae Variant Classification Sherloc (09022015). Collection method: clinical testing. Allele origin: germline.
Comment: This sequence change replaces glutamic acid, which is acidic and polar, with lysine, which is basic and polar, at codon 905 of the CCDC141 protein (p.Glu905Lys). This variant is present in population databases (rs150991367, gnomAD 0.2%), and has an allele count higher than expected for a pathogenic variant. This variant has not been reported in the literature in individuals affected with CCDC141-related conditions. ClinVar contains an entry for this variant (Variation ID: 2054621). An algorithm developed to predict the effect of missense changes on protein structure and function outputs the following: PolyPhen-2: "Benign". The lysine amino acid residue is found in multiple mammalian species, which suggests that this missense change does not adversely affect protein function. In summary, the available evidence is currently insufficient to determine the role of this variant in disease. Therefore, it has been classified as a Variant of Uncertain Significance.

Ambry Genetics
Classification: Uncertain significance. Last evaluated: 2021-09-17. Review status: criteria provided, single submitter. Criteria: Ambry Variant Classification Scheme 2023. Collection method: clinical testing. Allele origin: germline.

NM_173648.4(CCDC141):c.2713G>A (p.Glu905Lys)

Gene: CCDC141 (coiled-coil domain containing 141; minus strand). Cytogenetic location: 2q31.2.
Variant type: single nucleotide variant.
Coding change: c.2713G>A on transcript NM_173648.4 (MANE Select); coding-DNA position 2713, G replaced by A.
Protein change: p.Glu905Lys; replaces glutamic acid 905 with lysine.
Molecular consequence: missense variant.
Genome position (GRCh38, 1-based): chr2:178,865,778, C>T on the plus strand (G>A on the coding strand, the complement: CCDC141 is on the minus strand). VCF-style: chr2-178865778-C-T. GRCh37 (hg19) VCF-style: chr2-179730505-C-T.
Other names: short protein forms E905K.
Identifiers: ClinVar variation 2054621 (VCV002054621.6), dbSNP rs150991367, ClinGen allele CA2006921.